The following is an entry in ClinVar:

NM_005515.4(MNX1):c.853-2A>C

Gene: MNX1 (motor neuron and pancreas homeobox 1; minus strand). Cytogenetic location: 7q36.3.
Variant type: single nucleotide variant.
Coding change: c.853-2A>C on transcript NM_005515.4 (MANE Select); the canonical splice acceptor site of the intron before coding-DNA position 853, A replaced by C.
Molecular consequence: splice acceptor variant.
Genome position (GRCh38, 1-based): chr7:157,005,875, T>G on the plus strand (A>C on the coding strand, the complement: MNX1 is on the minus strand). VCF-style: chr7-157005875-T-G. GRCh37 (hg19) VCF-style: chr7-156798569-T-G.
Other names: c.217-2A>C (NM_001165255.2).
Identifiers: ClinVar variation 2009332 (VCV002009332.4), dbSNP rs1563700090, ClinGen allele CA370162330.

ClinVar aggregate classification (germline): Pathogenic (1 of 4 stars; one submission).

Submission:

Labcorp Genetics (formerly Invitae), Labcorp
Classification: Pathogenic. Last evaluated: 2024-12-26. Review status: criteria provided, single submitter. Criteria: Invitae Variant Classification Sherloc (09022015). Collection method: clinical testing. Allele origin: germline.
Comment: This sequence change affects an acceptor splice site in intron 2 of the MNX1 gene. While this variant is not anticipated to result in nonsense mediated decay, it likely alters RNA splicing and results in a disrupted protein product. This variant is not present in population databases (gnomAD no frequency). Disruption of this splice site has been observed in individual(s) with clinical features of MNX1-related conditions (PMID: 9843207). It has also been observed to segregate with disease in related individuals. ClinVar contains an entry for this variant (Variation ID: 2009332). Variants that disrupt the consensus splice site are a relatively common cause of aberrant splicing (PMID: 17576681, 9536098). Algorithms developed to predict the effect of sequence changes on RNA splicing suggest that this variant may disrupt the consensus splice site. For these reasons, this variant has been classified as Pathogenic.

Literature cited by the submitters: PubMed 9843207; PubMed 17576681; PubMed 9536098.